The following is an entry in ClinVar:

NM_014915.3(ANKRD26):c.163A>G (p.Ser55Gly)

Genes: ANKRD26 (ankyrin repeat domain containing 26; minus strand), LOC130003554 (ATAC-STARR-seq lymphoblastoid silent region 2243; plus strand). Cytogenetic location: 10p12.1.
Variant type: single nucleotide variant.
Coding change: c.163A>G on transcript NM_014915.3 (MANE Select); coding-DNA position 163, A replaced by G.
Protein change: p.Ser55Gly; replaces serine 55 with glycine.
Molecular consequence: missense variant.
Genome position (GRCh38, 1-based): chr10:27,100,164, T>C on the plus strand (A>G on the coding strand, the complement: ANKRD26 is on the minus strand). VCF-style: chr10-27100164-T-C. GRCh37 (hg19) VCF-style: chr10-27389093-T-C.
Other names: c.163A>G, p.Ser55Gly (NM_001256053.2); short protein forms S55G.
Identifiers: ClinVar variation 3869751 (VCV003869751.1).

ClinVar aggregate classification (germline): Uncertain significance (1 of 4 stars; one submission).

Conditions:
Inborn genetic diseases. Identifiers: MedGen C0950123, MeSH D030342.

gnomAD v4.1: 1 of 1,614,132 alleles (0.000062%); no homozygotes.

Submission:

Ambry Genetics
Classification: Uncertain significance for Inborn genetic diseases. Last evaluated: 2024-12-28. Review status: criteria provided, single submitter. Criteria: Ambry Variant Classification Scheme 2023. Collection method: clinical testing. Allele origin: germline.
Comment: The p.S55G variant (also known as c.163A>G), located in coding exon 1 of the ANKRD26 gene, results from an A to G substitution at nucleotide position 163. The serine at codon 55 is replaced by glycine, an amino acid with similar properties. This amino acid position is conserved. In addition, this alteration is predicted to be tolerated by in silico analysis. Based on the available evidence, the clinical significance of this variant remains unclear.